The following is an entry in ClinVar:

ClinVar aggregate classification (germline): Uncertain significance. Review status: criteria provided, multiple submitters, no conflicts (2 of 4 stars). 2 submissions from 2 submitters: Uncertain significance (2). Last evaluated 2024-10-24.

Conditions:
Charcot-Marie-Tooth disease dominant intermediate C (CMTDIC). Also called: CHARCOT-MARIE-TOOTH NEUROPATHY, DOMINANT INTERMEDIATE C. Identifiers: Orphanet 100045, MedGen C1842237, MONDO:0012012, OMIM 608323.
Inborn genetic diseases. Identifiers: MedGen C0950123, MeSH D030342.

Allele frequency attached by ClinVar (database versions not stated): ExAC 0.00001; TOPMed 0.00002; gnomAD 0.00003.
gnomAD v4.1: 10 of 1,614,046 alleles (0.00062%); highest among the groups gnomAD compares: Admixed American, 0.0017%; no homozygotes.

Submissions (2):

Labcorp Genetics (formerly Invitae), Labcorp
Classification: Uncertain significance for Charcot-Marie-Tooth disease dominant intermediate C. Last evaluated: 2024-10-24. Review status: criteria provided, single submitter. Criteria: Invitae Variant Classification Sherloc (09022015). Collection method: clinical testing. Allele origin: germline.
Comment: This sequence change replaces methionine, which is neutral and non-polar, with threonine, which is neutral and polar, at codon 56 of the YARS protein (p.Met56Thr). This variant is present in population databases (rs759590543, gnomAD 0.004%). This variant has not been reported in the literature in individuals affected with YARS-related conditions. ClinVar contains an entry for this variant (Variation ID: 2332507). Invitae Evidence Modeling of protein sequence and biophysical properties (such as structural, functional, and spatial information, amino acid conservation, physicochemical variation, residue mobility, and thermodynamic stability) indicates that this missense variant is expected to disrupt YARS protein function with a positive predictive value of 80%. In summary, the available evidence is currently insufficient to determine the role of this variant in disease. Therefore, it has been classified as a Variant of Uncertain Significance.

Ambry Genetics
Classification: Uncertain significance for Inborn genetic diseases. Last evaluated: 2022-12-05. Review status: criteria provided, single submitter. Criteria: Ambry Variant Classification Scheme 2023. Collection method: clinical testing. Allele origin: germline.

NM_003680.4(YARS1):c.167T>C (p.Met56Thr)

Gene: YARS1 (tyrosyl-tRNA synthetase 1; minus strand). Cytogenetic location: 1p35.1.
Variant type: single nucleotide variant.
Coding change: c.167T>C on transcript NM_003680.4 (MANE Select); coding-DNA position 167, T replaced by C.
Protein change: p.Met56Thr; replaces methionine 56 with threonine.
Molecular consequence: missense variant.
Genome position (GRCh38, 1-based): chr1:32,810,948, A>G on the plus strand (T>C on the coding strand, the complement: YARS1 is on the minus strand). VCF-style: chr1-32810948-A-G. GRCh37 (hg19) VCF-style: chr1-33276549-A-G.
Other names: short protein forms M56T.
Identifiers: ClinVar variation 2332507 (VCV002332507.5), dbSNP rs759590543, ClinGen allele CA745271.